The following is an entry in ClinVar:

ClinVar aggregate classification (germline): Benign. Review status: criteria provided, single submitter (1 of 4 stars). 2 submissions from 2 submitters: Benign (1). 1 of the submissions does not count toward it. Last evaluated 2024-11-02.

Conditions:
PIEZO2-related disorder. Also called: PIEZO2-related condition; PIEZO2-related disorders.

Allele frequency attached by ClinVar (database versions not stated): gnomAD 0.00003 and 0.00004; TOPMed 0.00012; ExAC 0.00016; gnomAD exomes 0.00018.
gnomAD v4.1: 80 of 1,595,292 alleles (0.005%); highest among the groups gnomAD compares: Admixed American, 0.08%; no homozygotes.

Submissions (2):

Labcorp Genetics (formerly Invitae), Labcorp
Classification: Benign. Last evaluated: 2024-11-02. Review status: criteria provided, single submitter. Criteria: Invitae Variant Classification Sherloc (09022015). Collection method: clinical testing. Allele origin: germline.

PreventionGenetics, part of Exact Sciences
Classification: Likely benign for PIEZO2-related condition. Last evaluated: 2022-10-03. Review status: no assertion criteria provided. Collection method: clinical testing. Allele origin: germline. Not counted in ClinVar's aggregate classification.
Comment: This variant is classified as likely benign based on ACMG/AMP sequence variant interpretation guidelines (Richards et al. 2015 PMID: 25741868, with internal and published modifications).

NM_001378183.1(PIEZO2):c.7977G>A (p.Ser2659=)

Gene: PIEZO2 (piezo type mechanosensitive ion channel component 2; minus strand). Cytogenetic location: 18p11.22.
Variant type: single nucleotide variant.
Coding change: c.7977G>A on transcript NM_001378183.1 (MANE Select); coding-DNA position 7977, G replaced by A.
Protein change: p.Ser2659=; no amino-acid change (serine 2659 retained).
Molecular consequence: synonymous variant.
Genome position (GRCh38, 1-based): chr18:10,677,851, C>T on the plus strand (G>A on the coding strand, the complement: PIEZO2 is on the minus strand). VCF-style: chr18-10677851-C-T. GRCh37 (hg19) VCF-style: chr18-10677848-C-T.
Other names: c.7638G>A, p.Ser2546= (NM_022068.4).
Identifiers: ClinVar variation 718288 (VCV000718288.8), dbSNP rs772882008, ClinGen allele CA8891851.